The following is an entry in ClinVar:

ClinVar aggregate classification (germline): Uncertain significance (1 of 4 stars; one submission).

Conditions:
Hereditary sensory and autonomic neuropathy type 6. Also called: Neuropathy, hereditary sensory and autonomic, type VI; HSAN VI. Identifiers: Orphanet 314381, MedGen C3539003, MONDO:0013839, OMIM 614653.
Epidermolysis bullosa simplex 3, localized or generalized intermediate, with BP230 deficiency (EBS3). Also called: Epidermolysis bullosa simplex, autosomal recessive 2; Epidermolysis bullosa simplex due to BP230 deficiency. Identifiers: Orphanet 412181, MedGen C3809470, MONDO:0014180, OMIM 615425.

Submission:

Labcorp Genetics (formerly Invitae), Labcorp
Classification: Uncertain significance for Epidermolysis bullosa simplex 3, localized or generalized intermediate, with BP230 deficiency; Hereditary sensory and autonomic neuropathy type 6. Last evaluated: 2020-07-08. Review status: criteria provided, single submitter. Criteria: Invitae Variant Classification Sherloc (09022015). Collection method: clinical testing. Allele origin: germline.
Comment: This variant has not been reported in the literature in individuals with DST-related conditions. This variant is not present in population databases (ExAC no frequency). This sequence change replaces glutamine with glutamic acid at codon 3672 of the DST protein (p.Gln3672Glu). The glutamine residue is highly conserved and there is a small physicochemical difference between the two amino acids. The DST gene has multiple clinically relevant transcripts. This variant occurs in alternate transcript NM_015548.4, and corresponds to NM_001723.5:c.*105746C>G in the primary transcript. Experimental studies and prediction algorithms are not available or were not evaluated, and the functional significance of this variant is currently unknown. In summary, the available evidence is currently insufficient to determine the role of this variant in disease. Therefore, it has been classified as a Variant of Uncertain Significance.

NM_001374736.1(DST):c.18883C>G (p.Gln6295Glu)

Gene: DST (dystonin; minus strand). Cytogenetic location: 6p12.1.
Variant type: single nucleotide variant.
Coding change: c.18883C>G on transcript NM_001374736.1 (MANE Select); coding-DNA position 18883, C replaced by G.
Protein change: p.Gln6295Glu; replaces glutamine 6295 with glutamic acid.
Molecular consequence: missense variant.
Genome position (GRCh38, 1-based): chr6:56,509,771, G>C on the plus strand (C>G on the coding strand, the complement: DST is on the minus strand). VCF-style: chr6-56509771-G-C. GRCh37 (hg19) VCF-style: chr6-56374569-G-C.
Other names: c.12526C>G, p.Gln4176Glu (NM_001144769.5); c.12112C>G, p.Gln4038Glu (NM_001144770.2); c.18883C>G, p.Gln6295Glu (NM_001374722.1); c.17923C>G, p.Gln5975Glu (NM_001374729.1); c.11665C>G, p.Gln3889Glu (NM_001374730.1); c.18910C>G, p.Gln6304Glu (NM_001374734.1); c.11992C>G, p.Gln3998Glu (NM_001386100.1, NM_183380.4); c.11014C>G, p.Gln3672Glu (NM_015548.5); short protein forms Q3672E, Q5975E, Q6304E, Q3998E, Q4176E, Q3889E, Q4038E, Q6295E.
Identifiers: ClinVar variation 1046507 (VCV001046507.7), dbSNP rs2096429659, ClinGen allele CA364524129.